The following is an entry in ClinVar:

NM_000405.5(GM2A):c.*401G>A

Gene: GM2A (ganglioside GM2 activator; plus strand). Cytogenetic location: 5q33.1.
Variant type: single nucleotide variant.
Coding change: c.*401G>A on transcript NM_000405.5 (MANE Select); 401 bases downstream of the stop codon, G replaced by A.
Molecular consequence: 3 prime UTR variant.
Genome position (GRCh38, 1-based): chr5:151,267,852, G>A. VCF-style: chr5-151267852-G-A. GRCh37 (hg19) VCF-style: chr5-150647413-G-A.
Other names: c.*212G>A (NM_001167607.3).
Identifiers: ClinVar variation 352266 (VCV000352266.8), dbSNP rs116809628, ClinGen allele CA10620974.

ClinVar aggregate classification (germline): Benign. Review status: criteria provided, multiple submitters, no conflicts (2 of 4 stars). 2 submissions from 2 submitters: Benign (2). Last evaluated 2021-06-20.

Conditions:
Tay-Sachs disease, variant AB. Also called: GM2 Activator Deficiency; Gm2-gangliosidosis, ab variant. Identifiers: Orphanet 309246, MedGen C0268275, MONDO:0010099, OMIM 272750.

Allele frequency attached by ClinVar (database versions not stated): gnomAD exomes 0.00192; gnomAD 0.02194 and 0.02370; 1000 Genomes Project 0.02436; TOPMed 0.02486; 1000 Genomes Project 30x 0.02655.
gnomAD v4.1: 5,328 of 1,165,456 alleles (0.46%); highest among the groups gnomAD compares: African/African-American, 7.5%; 184 homozygotes.

Submissions (2):

GeneDx
Classification: Benign. Last evaluated: 2021-06-20. Review status: criteria provided, single submitter. Criteria: GeneDx Variant Classification Process June 2021. Collection method: clinical testing. Allele origin: germline. Affected: yes.

Illumina Laboratory Services, Illumina
Classification: Benign for Tay-Sachs disease, variant AB. Last evaluated: 2018-01-13. Review status: criteria provided, single submitter. Criteria: ICSL Variant Classification Criteria 13 December 2019. Collection method: clinical testing. Allele origin: germline.
Comment: This variant was observed in the ICSL laboratory as part of a predisposition screen in an ostensibly healthy population. It had not been previously curated by ICSL or reported in the Human Gene Mutation Database (HGMD: prior to June 1st, 2018), and was therefore a candidate for classification through an automated scoring system. Utilizing variant allele frequency, disease prevalence and penetrance estimates, and inheritance mode, an automated score was calculated to assess if this variant is too frequent to cause the disease. Based on the score and internal cut-off values, a variant classified as benign is not then subjected to further curation. The score for this variant resulted in a classification of benign for this disease.